The following is an entry in ClinVar:

ClinVar aggregate classification (germline): Pathogenic/Likely pathogenic. Review status: criteria provided, multiple submitters, no conflicts (2 of 4 stars). 4 submissions from 4 submitters: Pathogenic (1); Likely pathogenic (2). 1 of the submissions does not count toward it. Last evaluated 2023-08-04.

Conditions:
Childhood onset GLUT1 deficiency syndrome 2. Also called: Paroxysmal exercise-induced dystonia; GLUT1 deficiency syndrome 2; Exertion-induced paroxysmal dyskinesia; PAROXYSMAL EXERCISE-INDUCED DYSKINESIA WITH OR WITHOUT EPILEPSY AND/OR HEMOLYTIC ANEMIA; PAROXYSMAL EXERTION-INDUCED DYSTONIA WITH OR WITHOUT EPILEPSY AND/OR HEMOLYTIC ANEMIA; PED WITH OR WITHOUT EPILEPSY AND/OR HEMOLYTIC ANEMIA. Identifiers: Orphanet 98811, MedGen C1842534, MONDO:0012805, OMIM 612126.
Encephalopathy due to GLUT1 deficiency. Also called: Glucose transporter protein syndrome; GLUT1 deficiency syndrome 1; Classic Glucose Transporter Type 1 Deficiency Syndrome; De Vivo disease; GLUCOSE TRANSPORT DEFECT, BLOOD-BRAIN BARRIER; GLUT1 deficiency syndrome 1, infantile onset, severe. Identifiers: Orphanet 71277, MedGen C4551966, MONDO:0011724, OMIM 606777.
GLUT1 deficiency syndrome 1, autosomal recessive. Identifiers: MedGen C3149117.

Submissions (4):

Labcorp Genetics (formerly Invitae), Labcorp
Classification: Pathogenic for GLUT1 deficiency syndrome 1, autosomal recessive. Last evaluated: 2023-08-04. Review status: criteria provided, single submitter. Criteria: Invitae Variant Classification Sherloc (09022015). Collection method: clinical testing. Allele origin: germline.
Comment: For these reasons, this variant has been classified as Pathogenic. Experimental studies have shown that this variant affects SLC2A1 function (PMID: 18451999). Algorithms developed to predict the effect of variants on protein structure and function are not available or were not evaluated for this variant. ClinVar contains an entry for this variant (Variation ID: 16112). This variant has been observed in individual(s) with SLC2A1-related conditions (PMID: 18451999, 25022942). In at least one individual the variant was observed to be de novo. It has also been observed to segregate with disease in related individuals. This variant is not present in population databases (gnomAD no frequency). This variant, c.843_854del, results in the deletion of 4 amino acid(s) of the SLC2A1 protein (p.Gln282_Ser285del), but otherwise preserves the integrity of the reading frame.

Genome-Nilou Lab
Classification: Likely pathogenic for Encephalopathy due to GLUT1 deficiency. Last evaluated: 2023-04-11. Review status: criteria provided, single submitter. Criteria: ACMG Guidelines, 2015. Collection method: clinical testing. Allele origin: germline. Affected: no.

Mayo Clinic Laboratories, Mayo Clinic
Classification: Likely pathogenic. Last evaluated: 2021-09-13. Review status: criteria provided, single submitter. Criteria: ACMG Guidelines, 2015. Collection method: clinical testing. Allele origin: germline.
Comment: PP1, PM2, PS3

OMIM
Classification: Pathogenic for GLUT1 DEFICIENCY SYNDROME 2. Last evaluated: 2008-06-01. Review status: no assertion criteria provided. Collection method: literature only. Allele origin: germline. Not counted in ClinVar's aggregate classification.

Literature cited by the submitters: PubMed 18451999 (cited by 3 submitters); PubMed 25022942 (cited by Labcorp Genetics (formerly Invitae), Labcorp); PubMed 20129935 (cited by Mayo Clinic Laboratories, Mayo Clinic); PubMed 24847886 (cited by Mayo Clinic Laboratories, Mayo Clinic); PubMed 28971506 (cited by Mayo Clinic Laboratories, Mayo Clinic).

NM_006516.4(SLC2A1):c.843_854del (p.Gln282_Ser285del)

Gene: SLC2A1 (solute carrier family 2 member 1; minus strand). Cytogenetic location: 1p34.2.
Variant type: Deletion.
Coding change: c.843_854del on transcript NM_006516.4 (MANE Select); coding-DNA positions 843 to 854, 12 bases deleted (CCAGCAGCTGTC).
Protein change: p.Gln282_Ser285del.
Molecular consequence: inframe deletion.
Genome position (GRCh38, 1-based): chr1:42,929,606-42,929,617, GACAGCTGCTGG deleted on the plus strand (CCAGCAGCTGTC on the coding strand, the reverse complement: SLC2A1 is on the minus strand); deleting any 12 consecutive bases within chr1:42,929,606-42,929,626 gives the same sequence; the c. name uses the placement nearest the transcript's 3' end. VCF-style (leftmost placement, unchanged base first): chr1-42929605-AGACAGCTGCTGG-A. GRCh37 (hg19) VCF-style: chr1-43395276-AGACAGCTGCTGG-A.
Other names: p.Gln282_Ser285del; c.843_854del12 (NM_006516.2).
Identifiers: ClinVar variation 16112 (VCV000016112.12), dbSNP rs2124448824, ClinGen allele CA913184880.